The following is an entry in ClinVar:

ClinVar aggregate classification (germline): Uncertain significance (1 of 4 stars; one submission).

Conditions:
Thrombocytopenia 6 (THC6). Also called: THROMBOCYTOPENIA, AUTOSOMAL DOMINANT, 6. Identifiers: Orphanet 480851, MedGen C4310789, MONDO:0014837, OMIM 616937.

gnomAD v4.1: 4 of 1,610,942 alleles (0.00025%); highest among the groups gnomAD compares: Non-Finnish European, 0.00034%; no homozygotes.

Submission:

Daryl Scott Lab, Baylor College of Medicine
Classification: Uncertain significance for Thrombocytopenia 6. Last evaluated: 2024-01-01. Review status: criteria provided, single submitter. Criteria: ACMG Guidelines, 2015. Collection method: clinical testing. Allele origin: de novo. Observed: 1 heterozygote.
Comment: PS2, PM2

NM_198291.3(SRC):c.1070C>T (p.Thr357Ile)

Gene: SRC (SRC proto-oncogene, non-receptor tyrosine kinase; plus strand). Cytogenetic location: 20q11.23.
Variant type: single nucleotide variant.
Coding change: c.1070C>T on transcript NM_198291.3 (MANE Select); coding-DNA position 1070, C replaced by T.
Protein change: p.Thr357Ile; replaces threonine 357 with isoleucine.
Molecular consequence: missense variant.
Genome position (GRCh38, 1-based): chr20:37,401,632, C>T. VCF-style: chr20-37401632-C-T. GRCh37 (hg19) VCF-style: chr20-36030035-C-T.
Other names: c.1070C>T, p.Thr357Ile (NM_005417.5); short protein forms T357I.
Identifiers: ClinVar variation 3764601 (VCV003764601.1).